The following is an entry in ClinVar:

NM_018112.3(TMEM38B):c.512C>T (p.Pro171Leu)

Gene: TMEM38B (transmembrane protein 38B; plus strand). Cytogenetic location: 9q31.2.
Variant type: single nucleotide variant.
Coding change: c.512C>T on transcript NM_018112.3 (MANE Select); coding-DNA position 512, C replaced by T.
Protein change: p.Pro171Leu; replaces proline 171 with leucine.
Molecular consequence: missense variant.
Genome position (GRCh38, 1-based): chr9:105,722,591, C>T. VCF-style: chr9-105722591-C-T. GRCh37 (hg19) VCF-style: chr9-108484872-C-T.
Other names: short protein forms P171L.
Identifiers: ClinVar variation 2170069 (VCV002170069.2), dbSNP rs139507219, ClinGen allele CA5170904.

ClinVar aggregate classification (germline): Uncertain significance. Review status: criteria provided, multiple submitters, no conflicts (2 of 4 stars). 2 submissions from 2 submitters: Uncertain significance (2). Last evaluated 2022-07-12.

Conditions:
Inborn genetic diseases. Identifiers: MedGen C0950123, MeSH D030342.

Allele frequency attached by ClinVar (database versions not stated): gnomAD 0.00008; TOPMed 0.00008; ExAC 0.00010.
gnomAD v4.1: 89 of 1,613,406 alleles (0.0055%); highest among the groups gnomAD compares: Middle Eastern, 0.016%; no homozygotes.

Submissions (2):

Ambry Genetics
Classification: Uncertain significance for Inborn genetic diseases. Last evaluated: 2022-07-12. Review status: criteria provided, single submitter. Criteria: Ambry Variant Classification Scheme 2023. Collection method: clinical testing. Allele origin: germline.

Labcorp Genetics (formerly Invitae), Labcorp
Classification: Uncertain significance. Last evaluated: 2022-05-12. Review status: criteria provided, single submitter. Criteria: Invitae Variant Classification Sherloc (09022015). Collection method: clinical testing. Allele origin: germline.
Comment: This sequence change replaces proline, which is neutral and non-polar, with leucine, which is neutral and non-polar, at codon 171 of the TMEM38B protein (p.Pro171Leu). This variant is present in population databases (rs139507219, gnomAD 0.2%). This variant has not been reported in the literature in individuals affected with TMEM38B-related conditions. Algorithms developed to predict the effect of missense changes on protein structure and function (SIFT, PolyPhen-2, Align-GVGD) all suggest that this variant is likely to be disruptive. In summary, the available evidence is currently insufficient to determine the role of this variant in disease. Therefore, it has been classified as a Variant of Uncertain Significance.